The following is an entry in ClinVar:

NM_001082486.2(ACD):c.1037C>T (p.Pro346Leu)

Gene: ACD (ACD shelterin complex subunit and telomerase recruitment factor; minus strand). Cytogenetic location: 16q22.1.
Variant type: single nucleotide variant.
Coding change: c.1037C>T on transcript NM_001082486.2 (MANE Select); coding-DNA position 1037, C replaced by T.
Protein change: p.Pro346Leu; replaces proline 346 with leucine.
Molecular consequence: missense variant.
Genome position (GRCh38, 1-based): chr16:67,658,155, G>A on the plus strand (C>T on the coding strand, the complement: ACD is on the minus strand). VCF-style: chr16-67658155-G-A. GRCh37 (hg19) VCF-style: chr16-67692058-G-A.
Other names: c.950C>T, p.Pro317Leu (NM_001410884.1); c.1028C>T, p.Pro343Leu (NM_022914.3); short protein forms P346L, P317L, P343L.
Identifiers: ClinVar variation 1769191 (VCV001769191.3), dbSNP rs2543598909, ClinGen allele CA396352411.

ClinVar aggregate classification (germline): Uncertain significance (1 of 4 stars; one submission).

Conditions:
Inborn genetic diseases. Identifiers: MedGen C0950123, MeSH D030342.

gnomAD v4.1: 1 of 1,606,394 alleles (0.000062%); highest among the groups gnomAD compares: Non-Finnish European, 0.000085%; no homozygotes.

Submission:

Ambry Genetics
Classification: Uncertain significance for Inborn genetic diseases. Last evaluated: 2024-09-08. Review status: criteria provided, single submitter. Criteria: Ambry Variant Classification Scheme 2023. Collection method: clinical testing. Allele origin: germline.
Comment: The p.P432L variant (also known as c.1295C>T), located in coding exon 10 of the ACD gene, results from a C to T substitution at nucleotide position 1295. The proline at codon 432 is replaced by leucine, an amino acid with similar properties. This amino acid position is conserved. In addition, the in silico prediction for this alteration is inconclusive. Since supporting evidence is limited at this time, the clinical significance of this alteration remains unclear.